The following is an entry in ClinVar:

NM_006648.4(WNK2):c.5742G>T (p.Gln1914His)

Gene: WNK2 (WNK lysine deficient protein kinase 2; plus strand). Cytogenetic location: 9q22.31.
Variant type: single nucleotide variant.
Coding change: c.5742G>T on transcript NM_006648.4 (MANE Select); coding-DNA position 5742, G replaced by T.
Protein change: p.Gln1914His; replaces glutamine 1914 with histidine.
Molecular consequence: missense variant.
Genome position (GRCh38, 1-based): chr9:93,297,886, G>T. VCF-style: chr9-93297886-G-T. GRCh37 (hg19) VCF-style: chr9-96060168-G-T.
Other names: c.5853G>T, p.Gln1951His (NM_001282394.3); short protein forms Q1951H, Q1914H.
Identifiers: ClinVar variation 3981850 (VCV003981850.1).

ClinVar aggregate classification (germline): Uncertain significance (1 of 4 stars; one submission).

gnomAD v4.1: 2 of 1,592,910 alleles (0.00013%); highest among the groups gnomAD compares: African/African-American, 0.0013%; no homozygotes.

Submission:

Ambry Genetics
Classification: Uncertain significance. Last evaluated: 2025-04-11. Review status: criteria provided, single submitter. Criteria: Ambry Variant Classification Scheme 2023. Collection method: clinical testing. Allele origin: germline.
Comment: The p.Q1914H variant (also known as c.5742G>T), located in coding exon 23 of the WNK2 gene, results from a G to T substitution at nucleotide position 5742. The glutamine at codon 1914 is replaced by histidine, an amino acid with highly similar properties. This amino acid position is conserved. In addition, this alteration is predicted to be tolerated by in silico analysis. Based on the available evidence, the clinical significance of this variant remains unclear.